The following is an entry in ClinVar:

NM_152419.3(HGSNAT):c.827C>G (p.Thr276Arg)

Gene: HGSNAT (heparan-alpha-glucosaminide N-acetyltransferase; plus strand). Cytogenetic location: 8p11.21.
Variant type: single nucleotide variant.
Coding change: c.827C>G on transcript NM_152419.3 (MANE Select); coding-DNA position 827, C replaced by G.
Protein change: p.Thr276Arg; replaces threonine 276 with arginine.
Molecular consequence: missense variant. On other transcripts: intron variant (2).
Genome position (GRCh38, 1-based): chr8:43,173,719, C>G. VCF-style: chr8-43173719-C-G. GRCh37 (hg19) VCF-style: chr8-43028862-C-G.
Other names: c.827C>G (NM_152419.2); c.827C>G, p.Thr276Arg (NM_001363227.2); c.-14+1333C>G (NM_001363229.2); c.820+1333C>G (NM_001363228.2); short protein forms T276R.
Identifiers: ClinVar variation 1398012 (VCV001398012.7), dbSNP rs751331792, ClinGen allele CA4736650.

ClinVar aggregate classification (germline): Uncertain significance. Review status: criteria provided, multiple submitters, no conflicts (2 of 4 stars). 3 submissions from 3 submitters: Uncertain significance (3). Last evaluated 2025-11-20.

Conditions:
Inborn genetic diseases. Identifiers: MedGen C0950123, MeSH D030342.
Retinitis pigmentosa 73 (RP73). Identifiers: Orphanet 791, MedGen C4225287, MONDO:0014687, OMIM 616544.
Mucopolysaccharidosis, MPS-III-C (MPS3C). Also called: MPS IIIC (Sanfilippo Syndrome Type C); MUCOPOLYSACCHARIDOSIS, TYPE IIIC; Mucopolysaccharidosis type IIIC (Sanfilippo C); SANFILIPPO SYNDROME C; MPS III C; mucopolysaccharidosis type 3C. Identifiers: Orphanet 581, Orphanet 79271, MedGen C0086649, MONDO:0009657, OMIM 252930.

Allele frequency attached by ClinVar (database versions not stated): gnomAD exomes 0.00001; gnomAD 0.00003 and 0.00004; TOPMed 0.00001; ExAC 0.00002.
gnomAD v4.1: 26 of 1,613,034 alleles (0.0016%); highest among the groups gnomAD compares: Non-Finnish European, 0.0019%; no homozygotes.

Submissions (3):

Ambry Genetics
Classification: Uncertain significance for Inborn genetic diseases. Last evaluated: 2025-11-20. Review status: criteria provided, single submitter. Criteria: Ambry Variant Classification Scheme 2023. Collection method: clinical testing. Allele origin: germline.

Labcorp Genetics (formerly Invitae), Labcorp
Classification: Uncertain significance for Retinitis pigmentosa 73; Mucopolysaccharidosis, MPS-III-C. Last evaluated: 2021-08-31. Review status: criteria provided, single submitter. Criteria: Invitae Variant Classification Sherloc (09022015). Collection method: clinical testing. Allele origin: germline.
Comment: This sequence change replaces threonine with arginine at codon 276 of the HGSNAT protein (p.Thr276Arg). The threonine residue is moderately conserved and there is a moderate physicochemical difference between threonine and arginine. This variant is present in population databases (rs751331792, ExAC 0.02%). This variant has not been reported in the literature in individuals affected with HGSNAT-related conditions. Advanced modeling of protein sequence and biophysical properties (such as structural, functional, and spatial information, amino acid conservation, physicochemical variation, residue mobility, and thermodynamic stability) performed at Invitae indicates that this missense variant is expected to disrupt HGSNAT protein function. In summary, the available evidence is currently insufficient to determine the role of this variant in disease. Therefore, it has been classified as a Variant of Uncertain Significance.

Blueprint Genetics
Classification: Uncertain significance. Last evaluated: 2018-12-13. Review status: criteria provided, single submitter. Criteria: ACMG Guidelines, 2015. Collection method: clinical testing. Allele origin: germline.